The following is an entry in ClinVar:

ClinVar aggregate classification (germline): Uncertain significance (1 of 4 stars; one submission).

Conditions:
Glycogen storage disease, type II (IOPD). Also called: Pompe Disease; GLYCOGENOSIS, GENERALIZED, CARDIAC FORM; GSD II; Glucosidase acid-1,4-alpha deficiency; POMPE DISEASE, INFANTILE-ONSET; GLYCOGEN STORAGE DISEASE II, INFANTILE-ONSET. Identifiers: Orphanet 365, MedGen C0017921, MONDO:0009290, OMIM 232300.

Allele frequency attached by ClinVar (database versions not stated): gnomAD exomes below 0.00001.
gnomAD v4.1: 3 of 1,610,574 alleles (0.00019%); highest among the groups gnomAD compares: East Asian, 0.0022%; no homozygotes.

Submission:

Labcorp Genetics (formerly Invitae), Labcorp
Classification: Uncertain significance for Glycogen storage disease, type II. Last evaluated: 2023-07-13. Review status: criteria provided, single submitter. Criteria: Invitae Variant Classification Sherloc (09022015). Collection method: clinical testing. Allele origin: germline.
Comment: This sequence change replaces proline, which is neutral and non-polar, with leucine, which is neutral and non-polar, at codon 640 of the GAA protein (p.Pro640Leu). This variant is not present in population databases (gnomAD no frequency). This variant has not been reported in the literature in individuals affected with GAA-related conditions. Advanced modeling of protein sequence and biophysical properties (such as structural, functional, and spatial information, amino acid conservation, physicochemical variation, residue mobility, and thermodynamic stability) performed at Invitae indicates that this missense variant is expected to disrupt GAA protein function. In summary, the available evidence is currently insufficient to determine the role of this variant in disease. Therefore, it has been classified as a Variant of Uncertain Significance.

NM_000152.5(GAA):c.1919C>T (p.Pro640Leu)

Gene: GAA (alpha glucosidase; plus strand). Cytogenetic location: 17q25.3.
Variant type: single nucleotide variant.
Coding change: c.1919C>T on transcript NM_000152.5 (MANE Select); coding-DNA position 1919, C replaced by T.
Protein change: p.Pro640Leu; replaces proline 640 with leucine.
Molecular consequence: missense variant.
Genome position (GRCh38, 1-based): chr17:80,112,906, C>T. VCF-style: chr17-80112906-C-T. GRCh37 (hg19) VCF-style: chr17-78086705-C-T.
Other names: c.1919C>T, p.Pro640Leu (NM_001079803.3, NM_001079804.3, NM_001406741.1 and 1 more transcripts); short protein forms P640L.
Identifiers: ClinVar variation 2742843 (VCV002742843.3), dbSNP rs2510383115, ClinGen allele CA401369886.
Genomic context (GRCh38, chr17:80,112,906, plus strand): 5'-CTGAGGACCAGCCTGACTCTGCCCTCCCAGAAATCCTGCAGTTTAACCTGCTGGGGGTGC[C>T]TCTGGTCGGGGCCGACGTCTGCGGCTTCCTGGGCAACACCTCAGAGGAGCTGTGTGTGCG-3'
Protein context (NP_000143.2, residues 630-650): EILQFNLLGV[Pro640Leu]LVGADVCGFL